The following is an entry in ClinVar:

ClinVar aggregate classification (germline): Benign. Review status: criteria provided, multiple submitters, no conflicts (2 of 4 stars). 3 submissions from 3 submitters: Benign (2). 1 of the submissions does not count toward it. Last evaluated 2021-05-05.

Conditions:
ZNF142-related disorder. Also called: ZNF142-related condition.

Allele frequency attached by ClinVar (database versions not stated): TOPMed 0.16976; ExAC 0.18291; 1000 Genomes Project 30x 0.09010; gnomAD 0.18456 and 0.17937; ESP Exome Variant Server 0.18923; 1000 Genomes Project 0.08666; gnomAD exomes 0.18403 and 0.23492.
gnomAD v4.1: 369,350 of 1,613,548 alleles (23%); highest among the groups gnomAD compares: Non-Finnish European, 26%; 47,347 homozygotes.

Submissions (3):

GeneDx
Classification: Benign. Last evaluated: 2021-05-05. Review status: criteria provided, single submitter. Criteria: GeneDx Variant Classification Process June 2021. Collection method: clinical testing. Allele origin: germline. Affected: yes.

Breakthrough Genomics
Classification: Benign. Review status: criteria provided, single submitter. Criteria: ACMG Guidelines, 2015. Collection method: not provided. Allele origin: germline. Inheritance: Autosomal recessive inheritance. Affected: yes.

PreventionGenetics, part of Exact Sciences
Classification: Benign for ZNF142-related condition. Last evaluated: 2019-11-12. Review status: no assertion criteria provided. Collection method: clinical testing. Allele origin: germline. Not counted in ClinVar's aggregate classification.
Comment: This variant is classified as benign based on ACMG/AMP sequence variant interpretation guidelines (Richards et al. 2015 PMID: 25741868, with internal and published modifications).

NM_001379659.1(ZNF142):c.1449A>G (p.Pro483=)

Gene: ZNF142 (zinc finger protein 142; minus strand). Cytogenetic location: 2q35.
Variant type: single nucleotide variant.
Coding change: c.1449A>G on transcript NM_001379659.1 (MANE Select); coding-DNA position 1449, A replaced by G.
Protein change: p.Pro483=; no amino-acid change (proline 483 retained).
Molecular consequence: synonymous variant.
Genome position (GRCh38, 1-based): chr2:218,649,059, T>C on the plus strand (A>G on the coding strand, the complement: ZNF142 is on the minus strand). VCF-style: chr2-218649059-T-C. GRCh37 (hg19) VCF-style: chr2-219513782-T-C.
Other names: c.849A>G, p.Pro283= (NM_001105537.5, NM_001366291.3, NM_001379662.1); c.360A>G, p.Pro120= (NM_001366287.3, NM_001366288.3, NM_001366289.3); c.1449A>G, p.Pro483= (NM_001366290.3, NM_001379660.1, NM_001379661.1).
Identifiers: ClinVar variation 1281759 (VCV001281759.4), dbSNP rs4674322, ClinGen allele CA2109375.
Genomic context (GRCh38, chr2:218,649,059, plus strand): 5'-GAAGGCCTTGCGGTCGGGTGCTGCATAGCTGCAGCCCTCCTGAAAGCAGCGAAGGGGTAA[T>C]GGCTCTGCTGCGGCTGCTGCCGTGTGGCTCTTGAGGTGCTCCTTTAGGGCCTGGCTGAGG-3'
Protein context (NP_001366588.1, residues 473-493): KSHTAAAAAE[Pro483=]LPLRCFQEGC